The following is an entry in ClinVar:

ClinVar aggregate classification (germline): Conflicting classifications of pathogenicity. Review status: criteria provided, conflicting classifications (1 of 4 stars). 8 submissions from 7 submitters: Uncertain significance (2); Benign (1); Likely benign (5). Last evaluated 2026-04-14.

Conditions:
Type 2 collagenopathy. Identifiers: Orphanet 93421, MedGen C2931073, MONDO:0022800.
COL2A1-related disorder. Also called: COL2A1-related condition; COL2A1-related disorders.
Stickler syndrome type 1 (STL1). Also called: ARTHROOPHTHALMOPATHY, HEREDITARY PROGRESSIVE; STICKLER SYNDROME, MEMBRANOUS VITREOUS TYPE; STICKLER SYNDROME, VITREOUS TYPE 1; COL2A1-Related Stickler Syndrome. Identifiers: Orphanet 828, Orphanet 90653, MedGen C2020284, MONDO:0007160, OMIM 108300.

Allele frequency attached by ClinVar (database versions not stated): gnomAD 0.00003; TOPMed 0.00005; ExAC 0.00007; ESP Exome Variant Server 0.00008; gnomAD exomes 0.00009 and 0.00013.
gnomAD v4.1: 204 of 1,613,996 alleles (0.013%); highest among the groups gnomAD compares: Non-Finnish European, 0.013%; no homozygotes.

Submissions (8):

Women's Health and Genetics/Laboratory Corporation of America, LabCorp
Classification: Benign. Last evaluated: 2026-04-14. Review status: criteria provided, single submitter. Criteria: LabCorp Variant Classification Summary - May 2015. Collection method: clinical testing. Allele origin: germline.

Labcorp Genetics (formerly Invitae), Labcorp
Classification: Likely benign. Last evaluated: 2025-10-29. Review status: criteria provided, single submitter. Criteria: Invitae Variant Classification Sherloc (09022015). Collection method: clinical testing. Allele origin: germline.

PreventionGenetics, part of Exact Sciences
Classification: Likely benign for COL2A1-related condition. Last evaluated: 2025-09-08. Review status: criteria provided, single submitter. Criteria: ACMG Guidelines, 2015. Collection method: clinical testing. Allele origin: germline.
Comment: This variant is classified as likely benign based on ACMG/AMP sequence variant interpretation guidelines (Richards et al. 2015 PMID: 25741868, with internal and published modifications).

Blueprint Genetics
Classification: Likely benign. Last evaluated: 2021-11-29. Review status: criteria provided, single submitter. Criteria: ACMG Guidelines, 2015. Collection method: clinical testing. Allele origin: germline.

GeneDx
Classification: Likely benign. Last evaluated: 2019-05-23. Review status: criteria provided, single submitter. Criteria: GeneDx Variant Classification Process June 2021. Collection method: clinical testing. Allele origin: germline. Affected: yes.

Illumina Laboratory Services, Illumina
Classification: Likely benign for Type II Collagenopathies. Last evaluated: 2018-01-13. Review status: criteria provided, single submitter. Criteria: ICSL Variant Classification Criteria 13 December 2019. Collection method: clinical testing. Allele origin: germline.
Comment: This variant was observed in the ICSL laboratory as part of a predisposition screen in an ostensibly healthy population. It had not been previously curated by ICSL or reported in the Human Gene Mutation Database (HGMD: prior to June 1st, 2018), and was therefore a candidate for classification through an automated scoring system. Utilizing variant allele frequency, disease prevalence and penetrance estimates, and inheritance mode, an automated score was calculated to assess if this variant is too frequent to cause the disease. Based on the score and internal cut-off values, a variant classified as likely benign is not then subjected to further curation. The score for this variant resulted in a classification of likely benign for this disease.

Illumina Laboratory Services, Illumina
Classification: Uncertain significance for Stickler syndrome type 1. Last evaluated: 2018-01-13. Review status: criteria provided, single submitter. Criteria: ICSL Variant Classification Criteria 13 December 2019. Collection method: clinical testing. Allele origin: germline.

Eurofins Ntd Llc (ga)
Classification: Uncertain significance. Last evaluated: 2017-07-11. Review status: criteria provided, single submitter. Criteria: EGL Classification Definitions 2015. Collection method: clinical testing. Allele origin: germline. Observed: 2 variant alleles, 2 heterozygotes.

NM_001844.5(COL2A1):c.798G>A (p.Arg266=)

Gene: COL2A1 (collagen type II alpha 1 chain; minus strand). Cytogenetic location: 12q13.11.
Variant type: single nucleotide variant.
Coding change: c.798G>A on transcript NM_001844.5 (MANE Select); coding-DNA position 798, G replaced by A.
Protein change: p.Arg266=; no amino-acid change (arginine 266 retained).
Molecular consequence: synonymous variant.
Genome position (GRCh38, 1-based): chr12:47,994,442, C>T on the plus strand (G>A on the coding strand, the complement: COL2A1 is on the minus strand). VCF-style: chr12-47994442-C-T. GRCh37 (hg19) VCF-style: chr12-48388225-C-T.
Other names: c.591G>A, p.Arg197= (NM_033150.3).
Identifiers: ClinVar variation 593094 (VCV000593094.22), dbSNP rs376753701, ClinGen allele CA6535781.